The following is an entry in ClinVar:

NM_002769.5(PRSS1):c.589C>T (p.Gln197Ter)

Genes: PRSS1 (serine protease 1; plus strand), TRB (T cell receptor beta locus; plus strand). Cytogenetic location: 7q34.
Variant type: single nucleotide variant.
Coding change: c.589C>T on transcript NM_002769.5 (MANE Select); coding-DNA position 589, C replaced by T.
Protein change: p.Gln197Ter; replaces glutamine 197 with a stop codon.
Molecular consequence: nonsense.
Genome position (GRCh38, 1-based): chr7:142,752,565, C>T. VCF-style: chr7-142752565-C-T. GRCh37 (hg19) VCF-style: chr7-142460416-C-T.
Other names: short protein forms Q197*.
Identifiers: ClinVar variation 632962 (VCV000632962.1), dbSNP rs757054367, ClinGen allele CA4530069.

ClinVar aggregate classification (germline): Uncertain significance (1 of 4 stars; one submission).

Allele frequency attached by ClinVar (database versions not stated): gnomAD 0.00001; ExAC 0.00001; gnomAD exomes below 0.00001.

Submission:

Women's Health and Genetics/Laboratory Corporation of America, LabCorp
Classification: Uncertain significance. Last evaluated: 2018-12-03. Review status: criteria provided, single submitter. Criteria: LabCorp Variant Classification Summary - May 2015. Collection method: clinical testing. Allele origin: germline.
Comment: Variant summary: PRSS1 c.589C>T (p.Gln197X) results in a premature termination codon, predicted to cause a truncation of the encoded protein or absence of the protein due to nonsense mediated decay, although the common mechanism for disease attributed to variants in the PRSS1 gene is gain of function. The variant allele was found at a frequency of 4.1e-06 in 246262 control chromosomes (gnomAD). The available data on variant occurrences in the general population are insufficient to allow any conclusion about variant significance. To our knowledge, no occurrence of c.589C>T in individuals affected with Chronic Pancreatitis and no experimental evidence demonstrating its impact on protein function have been reported. No clinical diagnostic laboratories have submitted clinical-significance assessments for this variant to ClinVar after 2014. Based on the evidence outlined above, the variant was classified as uncertain significance.